The following is an entry in ClinVar:

ClinVar aggregate classification (germline): Uncertain significance (0 of 4 stars; one submission).

Conditions:
ALMS1-related disorder. Also called: ALMS1-related condition.

Submission:

PreventionGenetics, part of Exact Sciences
Classification: Uncertain significance for ALMS1-related condition. Last evaluated: 2024-09-25. Review status: no assertion criteria provided. Collection method: clinical testing. Allele origin: germline.
Comment: The ALMS1 c.3474G>T variant is predicted to result in the amino acid substitution p.Leu1158Phe. To our knowledge, this variant has not been reported in the literature. This variant is reported in 0.072% of alleles in individuals of South Asian descent in gnomAD. Although we suspect that this variant may be benign, at this time, the clinical significance of this variant is uncertain due to the absence of conclusive functional and genetic evidence.

NM_001378454.1(ALMS1):c.3471G>T (p.Gln1157His)

Gene: ALMS1 (ALMS1 centrosome and basal body associated protein; plus strand). Cytogenetic location: 2p13.1.
Variant type: single nucleotide variant.
Coding change: c.3471G>T on transcript NM_001378454.1 (MANE Select); coding-DNA position 3471, G replaced by T.
Protein change: p.Gln1157His; replaces glutamine 1157 with histidine.
Molecular consequence: missense variant.
Genome position (GRCh38, 1-based): chr2:73,449,998, G>T. VCF-style: chr2-73449998-G-T. GRCh37 (hg19) VCF-style: chr2-73677125-G-T.
Other names: c.3474G>T, p.Gln1158His (NM_015120.4); short protein forms Q1157H, Q1158H.
Identifiers: ClinVar variation 3357534 (VCV003357534.1).
Genomic context (GRCh38, chr2:73,449,998, plus strand): 5'-AACTGTAACCTCAACTTCCTACTCACAACATAGAGAAAAGCCCAGCATTTTCCACCAGCA[G>T]GCCTTGCCAGGTACTCATATACCTGAAGAGGCTCAGAAAGTTTCAGCTGTTACTGGACCA-3'
Protein context (NP_001365383.1, residues 1147-1167): HREKPSIFHQ[Gln1157His]ALPGTHIPEE